The following is an entry in ClinVar:

NM_001369369.1(FOXN1):c.401T>A (p.Val134Asp)

Gene: FOXN1 (forkhead box N1; plus strand). Cytogenetic location: 17q11.2.
Variant type: single nucleotide variant.
Coding change: c.401T>A on transcript NM_001369369.1 (MANE Select); coding-DNA position 401, T replaced by A.
Protein change: p.Val134Asp; replaces valine 134 with aspartic acid.
Molecular consequence: missense variant.
Genome position (GRCh38, 1-based): chr17:28,524,780, T>A. VCF-style: chr17-28524780-T-A. GRCh37 (hg19) VCF-style: chr17-26851798-T-A.
Other names: c.401T>A, p.Val134Asp (NM_003593.3); short protein forms V134D.
Identifiers: ClinVar variation 1480428 (VCV001480428.8), dbSNP rs772494364, ClinGen allele CA8459219.

ClinVar aggregate classification (germline): Uncertain significance (1 of 4 stars; one submission).

Conditions:
T-cell immunodeficiency, congenital alopecia, and nail dystrophy. Also called: Congenital alopecia and nail dystrophy associated with severe functional T-cell immunodeficiency; Pignata Guarino syndrome. Identifiers: Orphanet 169095, MedGen C1866426, MONDO:0011132, OMIM 601705.

Allele frequency attached by ClinVar (database versions not stated): gnomAD exomes below 0.00001; ExAC 0.00001; gnomAD 0.00001.
gnomAD v4.1: 1 of 1,613,418 alleles (0.000062%); highest among the groups gnomAD compares: African/African-American, 0.0013%; no homozygotes.

Submission:

Labcorp Genetics (formerly Invitae), Labcorp
Classification: Uncertain significance for T-cell immunodeficiency, congenital alopecia, and nail dystrophy. Last evaluated: 2022-08-19. Review status: criteria provided, single submitter. Criteria: Invitae Variant Classification Sherloc (09022015). Collection method: clinical testing. Allele origin: germline.
Comment: This sequence change replaces valine, which is neutral and non-polar, with aspartic acid, which is acidic and polar, at codon 134 of the FOXN1 protein (p.Val134Asp). This variant is present in population databases (rs772494364, gnomAD 0.007%). This variant has not been reported in the literature in individuals affected with FOXN1-related conditions. ClinVar contains an entry for this variant (Variation ID: 1480428). Algorithms developed to predict the effect of missense changes on protein structure and function are either unavailable or do not agree on the potential impact of this missense change (SIFT: "Tolerated"; PolyPhen-2: "Possibly Damaging"; Align-GVGD: "Class C0"). In summary, the available evidence is currently insufficient to determine the role of this variant in disease. Therefore, it has been classified as a Variant of Uncertain Significance.